The following is an entry in ClinVar:

ClinVar aggregate classification (germline): Uncertain significance (1 of 4 stars; one submission).

Conditions:
Myofibrillar myopathy 5. Also called: FILAMINOPATHY, AUTOSOMAL DOMINANT; Filaminopathy (type). Identifiers: Orphanet 171445, MedGen C1836050, MONDO:0012289, OMIM 609524.
Hypertrophic cardiomyopathy 26. Also called: Cardiomyopathy, familial hypertrophic, 26. Identifiers: Orphanet 75249, MedGen C4310749, MONDO:0014883, OMIM 617047.
Distal myopathy with posterior leg and anterior hand involvement. Also called: WILLIAMS DISTAL MYOPATHY. Identifiers: Orphanet 63273, MedGen C3279722, MONDO:0013550, OMIM 614065.

Allele frequency attached by ClinVar (database versions not stated): gnomAD exomes below 0.00001; TOPMed below 0.00001.
gnomAD v4.1: 28 of 1,614,142 alleles (0.0017%); highest among the groups gnomAD compares: Non-Finnish European, 0.0024%; no homozygotes.

Submission:

Labcorp Genetics (formerly Invitae), Labcorp
Classification: Uncertain significance for Distal myopathy with posterior leg and anterior hand involvement; Myofibrillar myopathy 5; Hypertrophic cardiomyopathy 26. Last evaluated: 2024-06-09. Review status: criteria provided, single submitter. Criteria: Invitae Variant Classification Sherloc (09022015). Collection method: clinical testing. Allele origin: germline.
Comment: This sequence change replaces serine, which is neutral and polar, with phenylalanine, which is neutral and non-polar, at codon 144 of the FLNC protein (p.Ser144Phe). This variant is present in population databases (no rsID available, gnomAD 0.0009%). This variant has not been reported in the literature in individuals affected with FLNC-related conditions. ClinVar contains an entry for this variant (Variation ID: 1432620). Advanced modeling of protein sequence and biophysical properties (such as structural, functional, and spatial information, amino acid conservation, physicochemical variation, residue mobility, and thermodynamic stability) has been performed at Invitae for this missense variant, however the output from this modeling did not meet the statistical confidence thresholds required to predict the impact of this variant on FLNC protein function. In summary, the available evidence is currently insufficient to determine the role of this variant in disease. Therefore, it has been classified as a Variant of Uncertain Significance.

NM_001458.5(FLNC):c.431C>T (p.Ser144Phe)

Gene: FLNC (filamin C; plus strand). Cytogenetic location: 7q32.1.
Variant type: single nucleotide variant.
Coding change: c.431C>T on transcript NM_001458.5 (MANE Select); coding-DNA position 431, C replaced by T.
Protein change: p.Ser144Phe; replaces serine 144 with phenylalanine.
Molecular consequence: missense variant.
Genome position (GRCh38, 1-based): chr7:128,835,404, C>T. VCF-style: chr7-128835404-C-T. GRCh37 (hg19) VCF-style: chr7-128475458-C-T.
Other names: c.431C>T, p.Ser144Phe (NM_001127487.2); short protein forms S144F.
Identifiers: ClinVar variation 1432620 (VCV001432620.6), dbSNP rs1225645939, ClinGen allele CA369219068.